The following is an entry in ClinVar:

NM_001301071.2(DOK7):c.1599G>A (p.Ser533=)

Gene: DOK7 (docking protein 7; plus strand). Cytogenetic location: 4p16.3.
Variant type: single nucleotide variant.
Coding change: c.1599G>A on transcript NM_001301071.2; coding-DNA position 1599, G replaced by A.
Protein change: p.Ser533=; no amino-acid change (serine 533 retained).
Molecular consequence: synonymous variant.
Genome position (GRCh38, 1-based): chr4:3,500,309, G>A. VCF-style: chr4-3500309-G-A. GRCh37 (hg19) VCF-style: chr4-3502036-G-A.
Other names: c.1167G>A, p.Ser389= (NM_001363811.2).
Identifiers: ClinVar variation 1206514 (VCV001206514.21), dbSNP rs115742102, ClinGen allele CA2829626.

ClinVar aggregate classification (germline): Likely benign. Review status: criteria provided, multiple submitters, no conflicts (2 of 4 stars). 4 submissions from 4 submitters: Likely benign (3). 1 of the submissions does not count toward it. Last evaluated 2025-05-01.

Conditions:
DOK7-related disorder. Also called: DOK7-related condition.

Allele frequency attached by ClinVar (database versions not stated): 1000 Genomes Project 0.00300; gnomAD exomes 0.00032 and 0.00068; gnomAD 0.00336 and 0.00363; ExAC 0.00065; TOPMed 0.00385; 1000 Genomes Project 30x 0.00344.

Submissions (4):

CeGaT Center for Human Genetics Tuebingen
Classification: Likely benign. Last evaluated: 2025-05-01. Review status: criteria provided, single submitter. Criteria: CeGaT Center For Human Genetics Tuebingen Variant Classification Criteria Version 2. Collection method: clinical testing. Allele origin: germline. Affected: yes. Observed: 2 variant alleles.
Comment: DOK7: BP4, BP7, BS1

GeneDx
Classification: Likely benign. Last evaluated: 2020-09-24. Review status: criteria provided, single submitter. Criteria: GeneDx Variant Classification Process June 2021. Collection method: clinical testing. Allele origin: germline. Affected: yes.

Breakthrough Genomics
Classification: Likely benign. Review status: criteria provided, single submitter. Criteria: ACMG Guidelines, 2015. Collection method: not provided. Allele origin: germline. Inheritance: Autosomal recessive inheritance. Affected: yes.

PreventionGenetics, part of Exact Sciences
Classification: Benign for DOK7-related condition. Last evaluated: 2019-07-19. Review status: no assertion criteria provided. Collection method: clinical testing. Allele origin: germline. Not counted in ClinVar's aggregate classification.
Comment: This variant is classified as benign based on ACMG/AMP sequence variant interpretation guidelines (Richards et al. 2015 PMID: 25741868, with internal and published modifications).